The following is an entry in ClinVar:

ClinVar aggregate classification (germline): Benign (1 of 4 stars; one submission).

Allele frequency attached by ClinVar (database versions not stated): gnomAD 0.38648 and 0.38766; TOPMed 0.40770; 1000 Genomes Project 0.46625; 1000 Genomes Project 30x 0.47080.
gnomAD v4.1: 58,633 of 152,006 alleles (39%); highest among the groups gnomAD compares: African/African-American, 63%; 13,420 homozygotes.

Submission:

GeneDx
Classification: Benign. Last evaluated: 2018-06-14. Review status: criteria provided, single submitter. Criteria: GeneDx Variant Classification (06012015). Collection method: clinical testing. Allele origin: germline. Affected: yes.
Comment: This variant is considered likely benign or benign based on one or more of the following criteria: it is a conservative change, it occurs at a poorly conserved position in the protein, it is predicted to be benign by multiple in silico algorithms, and/or has population frequency not consistent with disease.

NM_014846.4(WASHC5):c.3181+288T>C

Gene: WASHC5 (WASH complex subunit 5; minus strand). Cytogenetic location: 8q24.13.
Variant type: single nucleotide variant.
Coding change: c.3181+288T>C on transcript NM_014846.4 (MANE Select); 288 bases into the intron after coding-DNA position 3181, T replaced by C.
Molecular consequence: intron variant.
Genome position (GRCh38, 1-based): chr8:125,036,949, A>G on the plus strand (T>C on the coding strand, the complement: WASHC5 is on the minus strand). VCF-style: chr8-125036949-A-G. GRCh37 (hg19) VCF-style: chr8-126049191-A-G.
Other names: c.2737+288T>C (NM_001330609.2).
Identifiers: ClinVar variation 683812 (VCV000683812.1), dbSNP rs13257850, ClinGen allele CA16348249.